The following is an entry in ClinVar:

NM_006363.6(SEC23B):c.490G>T (p.Val164Leu)

Genes: SEC23B (SEC23 homolog B, COPII component; plus strand), LOC126862987 (MED14-independent group 3 enhancer GRCh37_chr20:18504796-18505995; plus strand). Cytogenetic location: 20p11.23.
Variant type: single nucleotide variant.
Coding change: c.490G>T on transcript NM_006363.6 (MANE Select); coding-DNA position 490, G replaced by T.
Protein change: p.Val164Leu; replaces valine 164 with leucine.
Molecular consequence: missense variant.
Genome position (GRCh38, 1-based): chr20:18,524,556, G>T. VCF-style: chr20-18524556-G-T. GRCh37 (hg19) VCF-style: chr20-18505200-G-T.
Other names: SEC23B, VAL164LEU (rs36023150); c.490G>T, p.Val164Leu (NM_001172745.3, NM_032985.6, NM_032986.5); c.436G>T, p.Val146Leu (NM_001172746.3); short protein forms V164L, V146L.
Identifiers: ClinVar variation 95388 (VCV000095388.51), dbSNP rs36023150, ClinGen allele CA148510.
Genomic context (GRCh38, chr20:18,524,556, plus strand): 5'-CTTCAAGCACTCAAAGAGTCCCTGCAGATGTCCCTGAGTCTTCTTCCTCCAGATGCTCTG[G>T]TGGGTCTGATCACATTTGGAAGGATGGTGCAGGTTCATGAGCTAAGCTGTGAAGGAATCT-3'
Protein context (NP_006354.2, residues 154-174): SLSLLPPDAL[Val164Leu]GLITFGRMVQ

ClinVar aggregate classification (germline): Benign/Likely benign. Review status: criteria provided, multiple submitters, no conflicts (2 of 4 stars). 8 submissions from 8 submitters: Benign (5); Likely benign (2). 1 of the submissions does not count toward it. Last evaluated 2026-07-01.

Conditions:
Congenital dyserythropoietic anemia, type II (CDAN2). Also called: DYSERYTHROPOIETIC ANEMIA, HEMPAS TYPE. Identifiers: Orphanet 98873, MedGen C1306589, MONDO:0009134, OMIM 224100.
Cowden syndrome 7 (CWS7). Identifiers: Orphanet 201, MedGen C4225179, MONDO:0014802, OMIM 616858.

Allele frequency attached by ClinVar (database versions not stated): gnomAD exomes 0.01080; ExAC 0.01180; TOPMed 0.00685; 1000 Genomes Project 0.00879; ESP Exome Variant Server 0.00746; gnomAD 0.00602; 1000 Genomes Project 30x 0.00874.
gnomAD v4.1: 16,035 of 1,614,174 alleles (0.99%); highest among the groups gnomAD compares: South Asian, 3.1%; 162 homozygotes.

Submissions (8):

CeGaT Center for Human Genetics Tuebingen
Classification: Benign. Last evaluated: 2026-07-01. Review status: criteria provided, single submitter. Criteria: CeGaT Center For Human Genetics Tuebingen Variant Classification Criteria Version 2. Collection method: clinical testing. Allele origin: germline. Affected: yes. Observed: 120 variant alleles.
Comment: SEC23B: BS1, BS2

Labcorp Genetics (formerly Invitae), Labcorp
Classification: Benign for Congenital dyserythropoietic anemia, type II; Cowden syndrome 7. Last evaluated: 2026-02-02. Review status: criteria provided, single submitter. Criteria: Invitae Variant Classification Sherloc (09022015). Collection method: clinical testing. Allele origin: germline.

ARUP Laboratories, Molecular Genetics and Genomics, ARUP Laboratories
Classification: Benign. Last evaluated: 2025-06-19. Review status: criteria provided, single submitter. Criteria: ARUP Molecular Germline Variant Investigation Process 2024. Collection method: clinical testing. Allele origin: germline.

Mayo Clinic Laboratories, Mayo Clinic
Classification: Likely benign. Last evaluated: 2025-02-19. Review status: criteria provided, single submitter. Criteria: ACMG Guidelines, 2015. Collection method: clinical testing. Allele origin: germline. Observed: 42 variant alleles.
Comment: BS1, BS2, PP3

Illumina Laboratory Services, Illumina
Classification: Benign for Congenital dyserythropoietic anemia, type II. Last evaluated: 2018-01-13. Review status: criteria provided, single submitter. Criteria: ICSL Variant Classification Criteria 13 December 2019. Collection method: clinical testing. Allele origin: germline.
Comment: This variant was observed in the ICSL laboratory as part of a predisposition screen in an ostensibly healthy population. It had not been previously curated by ICSL or reported in the Human Gene Mutation Database (HGMD: prior to June 1st, 2018), and was therefore a candidate for classification through an automated scoring system. Utilizing variant allele frequency, disease prevalence and penetrance estimates, and inheritance mode, an automated score was calculated to assess if this variant is too frequent to cause the disease. Based on the score and internal cut-off values, a variant classified as benign is not then subjected to further curation. The score for this variant resulted in a classification of benign for this disease.

Eurofins Ntd Llc (ga)
Classification: Benign. Last evaluated: 2014-06-30. Review status: criteria provided, single submitter. Criteria: EGL Classification Definitions 2015. Collection method: clinical testing. Allele origin: germline. Observed: 3 variant alleles, 3 heterozygotes.

Breakthrough Genomics
Classification: Likely benign. Review status: criteria provided, single submitter. Criteria: ACMG Guidelines, 2015. Collection method: not provided. Allele origin: germline. Inheritance: Autosomal recessive inheritance. Affected: yes.

OMIM
Classification: Uncertain significance for RECLASSIFIED - VARIANT OF UNKNOWN SIGNIFICANCE. Last evaluated: 2018-07-11. Review status: no assertion criteria provided. Collection method: literature only. Allele origin: germline. Not counted in ClinVar's aggregate classification.

Literature cited by the submitters: PubMed 29901818 (cited by Mayo Clinic Laboratories, Mayo Clinic); PubMed 31401766 (cited by Mayo Clinic Laboratories, Mayo Clinic); Hamosh, A. Personal Communication. 2018. Baltimore, Md. (cited by OMIM); PubMed 26522472 (cited by OMIM).